The following is an entry in ClinVar:

NM_004963.4(GUCY2C):c.2236G>A (p.Ala746Thr)

Gene: GUCY2C (guanylate cyclase 2C; minus strand). Cytogenetic location: 12p12.3.
Variant type: single nucleotide variant.
Coding change: c.2236G>A on transcript NM_004963.4 (MANE Select); coding-DNA position 2236, G replaced by A.
Protein change: p.Ala746Thr; replaces alanine 746 with threonine.
Molecular consequence: missense variant.
Genome position (GRCh38, 1-based): chr12:14,628,659, C>T on the plus strand (G>A on the coding strand, the complement: GUCY2C is on the minus strand). VCF-style: chr12-14628659-C-T. GRCh37 (hg19) VCF-style: chr12-14781593-C-T.
Other names: short protein forms A746T.
Identifiers: ClinVar variation 2834837 (VCV002834837.3), dbSNP rs750529400, ClinGen allele CA6463133.
Genomic context (GRCh38, chr12:14,628,659, plus strand): 5'-TTTAAAACCCTGCAATTAGTGAATAAAAGTAAACATTTCAGCAATACCCAAATATCTTGG[C>T]AAGTGTAGTCTCAATTTTTTTGAAATCTGGTCTCTTTTCTGGATCTTCCTCCCAACAGTT-3'
Protein context (NP_004954.2, residues 736-756): PDFKKIETTL[Ala746Thr]KIFGLFHDQK

ClinVar aggregate classification (germline): Uncertain significance (1 of 4 stars; one submission).

Allele frequency attached by ClinVar (database versions not stated): ExAC 0.00002; gnomAD exomes below 0.00001.
gnomAD v4.1: 3 of 1,544,914 alleles (0.00019%); highest among the groups gnomAD compares: Admixed American, 0.005%; no homozygotes.

Submission:

Labcorp Genetics (formerly Invitae), Labcorp
Classification: Uncertain significance. Last evaluated: 2025-11-25. Review status: criteria provided, single submitter. Criteria: Invitae Variant Classification Sherloc (09022015). Collection method: clinical testing. Allele origin: germline.
Comment: This sequence change replaces alanine, which is neutral and non-polar, with threonine, which is neutral and polar, at codon 746 of the GUCY2C protein (p.Ala746Thr). This variant is present in population databases (rs750529400, gnomAD 0.009%). This variant has not been reported in the literature in individuals affected with GUCY2C-related conditions. ClinVar contains an entry for this variant (Variation ID: 2834837). Invitae Evidence Modeling of protein sequence and biophysical properties (such as structural, functional, and spatial information, amino acid conservation, physicochemical variation, residue mobility, and thermodynamic stability) indicates that this missense variant is not expected to disrupt GUCY2C protein function with a negative predictive value of 80%. In summary, the available evidence is currently insufficient to determine the role of this variant in disease. Therefore, it has been classified as a Variant of Uncertain Significance.